The following is an entry in ClinVar:

ClinVar aggregate classification (germline): Uncertain significance (1 of 4 stars; one submission).

Submission:

GeneDx
Classification: Uncertain significance. Last evaluated: 2024-08-08. Review status: criteria provided, single submitter. Criteria: GeneDx Variant Classification Process June 2021. Collection method: clinical testing. Allele origin: germline. Affected: yes.
Comment: Not observed at significant frequency in large population cohorts (gnomAD); In silico analysis indicates that this missense variant does not alter protein structure/function; Has not been previously published as pathogenic or benign to our knowledge

NM_006946.4(SPTBN2):c.5305C>G (p.Arg1769Gly)

Gene: SPTBN2 (spectrin beta, non-erythrocytic 2; minus strand). Cytogenetic location: 11q13.2.
Variant type: single nucleotide variant.
Coding change: c.5305C>G on transcript NM_006946.4 (MANE Select); coding-DNA position 5305, C replaced by G.
Protein change: p.Arg1769Gly; replaces arginine 1769 with glycine.
Molecular consequence: missense variant.
Genome position (GRCh38, 1-based): chr11:66,691,544, G>C on the plus strand (C>G on the coding strand, the complement: SPTBN2 is on the minus strand). VCF-style: chr11-66691544-G-C. GRCh37 (hg19) VCF-style: chr11-66459015-G-C.
Other names: c.5326C>G, p.Arg1776Gly (NM_001411025.1); short protein forms R1769G, R1776G.
Identifiers: ClinVar variation 3602860 (VCV003602860.1).